The following is an entry in ClinVar:

ClinVar aggregate classification (germline): Uncertain significance (1 of 4 stars; one submission).

Submission:

Labcorp Genetics (formerly Invitae), Labcorp
Classification: Uncertain significance. Last evaluated: 2023-06-13. Review status: criteria provided, single submitter. Criteria: Invitae Variant Classification Sherloc (09022015). Collection method: clinical testing. Allele origin: germline.
Comment: In summary, the available evidence is currently insufficient to determine the role of this variant in disease. Therefore, it has been classified as a Variant of Uncertain Significance. An algorithm developed to predict the effect of missense changes on protein structure and function (PolyPhen-2) suggests that this variant is likely to be tolerated. ClinVar contains an entry for this variant (Variation ID: 2016865). This variant has not been reported in the literature in individuals affected with IFT88-related conditions. This variant is not present in population databases (gnomAD no frequency). This sequence change replaces aspartic acid, which is acidic and polar, with tyrosine, which is neutral and polar, at codon 548 of the IFT88 protein (p.Asp548Tyr).

NM_006531.5(IFT88):c.1615G>T (p.Asp539Tyr)

Gene: IFT88 (intraflagellar transport 88; plus strand). Cytogenetic location: 13q12.11.
Variant type: single nucleotide variant.
Coding change: c.1615G>T on transcript NM_006531.5 (MANE Select); coding-DNA position 1615, G replaced by T.
Protein change: p.Asp539Tyr; replaces aspartic acid 539 with tyrosine.
Molecular consequence: missense variant. On other transcripts: non-coding transcript variant (4).
Genome position (GRCh38, 1-based): chr13:20,641,331, G>T. VCF-style: chr13-20641331-G-T. GRCh37 (hg19) VCF-style: chr13-21215470-G-T.
Other names: c.1558G>T, p.Asp520Tyr (NM_001318491.2, NM_001353575.2); c.1642G>T, p.Asp548Tyr (NM_001318493.2, NM_001353565.2, NM_001353566.2 and 2 more transcripts); c.1615G>T, p.Asp539Tyr (NM_001353568.2, NM_001353572.2); c.1540G>T, p.Asp514Tyr (NM_001353569.2, NM_001353570.2, NM_001353576.2 and 1 more transcripts); c.1513G>T, p.Asp505Tyr (NM_001353571.2, NM_001353578.2); c.1471G>T, p.Asp491Tyr (NM_001353573.2); c.1456G>T, p.Asp486Tyr (NM_001353574.2); c.982G>T, p.Asp328Tyr (NM_001353579.2); short protein forms D514Y, D548Y, D328Y, D486Y, D539Y, D491Y, D520Y, D505Y.
Identifiers: ClinVar variation 2016865 (VCV002016865.4), dbSNP rs761712414, ClinGen allele CA387473963.